The following is an entry in ClinVar:

NM_004525.3(LRP2):c.5859A>G (p.Arg1953=)

Gene: LRP2 (LDL receptor related protein 2; minus strand). Cytogenetic location: 2q31.1.
Variant type: single nucleotide variant.
Coding change: c.5859A>G on transcript NM_004525.3 (MANE Select); coding-DNA position 5859, A replaced by G.
Protein change: p.Arg1953=; no amino-acid change (arginine 1953 retained).
Molecular consequence: synonymous variant.
Genome position (GRCh38, 1-based): chr2:169,213,838, T>C on the plus strand (A>G on the coding strand, the complement: LRP2 is on the minus strand). VCF-style: chr2-169213838-T-C. GRCh37 (hg19) VCF-style: chr2-170070348-T-C.
Other names: p.Arg1953=.
Identifiers: ClinVar variation 129530 (VCV000129530.24), dbSNP rs11886219, ClinGen allele CA153597.

ClinVar aggregate classification (germline): Benign. Review status: criteria provided, multiple submitters, no conflicts (2 of 4 stars). 8 submissions from 8 submitters: Benign (7). 1 of the submissions does not count toward it. Last evaluated 2026-02-04.

Conditions:
Donnai-Barrow syndrome. Also called: DBS/FOAR SYNDROME; FACIOOCULOACOUSTICORENAL SYNDROME. Identifiers: Orphanet 2143, MedGen C1857277, MONDO:0009104, OMIM 222448.

Allele frequency attached by ClinVar (database versions not stated): gnomAD exomes 0.06081 and 0.07213; ExAC 0.08051; gnomAD 0.15625 and 0.16510; 1000 Genomes Project 0.16094; 1000 Genomes Project 30x 0.16943; TOPMed 0.17402; ESP Exome Variant Server 0.17676.
gnomAD v4.1: 113,344 of 1,613,164 alleles (7%); highest among the groups gnomAD compares: African/African-American, 42%; 9,284 homozygotes.

Submissions (8):

Labcorp Genetics (formerly Invitae), Labcorp
Classification: Benign. Last evaluated: 2026-02-04. Review status: criteria provided, single submitter. Criteria: Invitae Variant Classification Sherloc (09022015). Collection method: clinical testing. Allele origin: germline.

Mayo Clinic Laboratories, Mayo Clinic
Classification: Benign. Last evaluated: 2022-11-10. Review status: criteria provided, single submitter. Criteria: ACMG Guidelines, 2015. Collection method: clinical testing. Allele origin: germline. Observed: 26 variant alleles.

Genome-Nilou Lab
Classification: Benign for Donnai-Barrow syndrome. Last evaluated: 2021-07-15. Review status: criteria provided, single submitter. Criteria: ACMG Guidelines, 2015. Collection method: clinical testing. Allele origin: germline. Affected: no.

GeneDx
Classification: Benign. Last evaluated: 2019-08-20. Review status: criteria provided, single submitter. Criteria: GeneDx Variant Classification Process June 2021. Collection method: clinical testing. Allele origin: germline. Affected: yes.

Illumina Laboratory Services, Illumina
Classification: Benign for Donnai-Barrow syndrome. Last evaluated: 2018-01-13. Review status: criteria provided, single submitter. Criteria: ICSL Variant Classification Criteria 13 December 2019. Collection method: clinical testing. Allele origin: germline.
Comment: This variant was observed in the ICSL laboratory as part of a predisposition screen in an ostensibly healthy population. It had not been previously curated by ICSL or reported in the Human Gene Mutation Database (HGMD: prior to June 1st, 2018), and was therefore a candidate for classification through an automated scoring system. Utilizing variant allele frequency, disease prevalence and penetrance estimates, and inheritance mode, an automated score was calculated to assess if this variant is too frequent to cause the disease. Based on the score and internal cut-off values, a variant classified as benign is not then subjected to further curation. The score for this variant resulted in a classification of benign for this disease.

Breakthrough Genomics
Classification: Benign. Review status: criteria provided, single submitter. Criteria: ACMG Guidelines, 2015. Collection method: not provided. Allele origin: germline. Inheritance: Autosomal recessive inheritance. Affected: yes.

PreventionGenetics, part of Exact Sciences
Classification: Benign. Review status: criteria provided, single submitter. Criteria: ACMG Guidelines, 2015. Collection method: clinical testing. Allele origin: germline.

Genetic Services Laboratory, University of Chicago
Classification: Likely benign for AllHighlyPenetrant. Review status: no assertion criteria provided. Collection method: clinical testing. Allele origin: germline. Inheritance: Autosomal recessive inheritance. Not counted in ClinVar's aggregate classification.
Comment: Likely benign based on allele frequency in 1000 Genomes Project or ESP global frequency and its presence in a patient with a rare or unrelated disease phenotype. NOT Sanger confirmed.